The following is an entry in ClinVar:

ClinVar aggregate classification (germline): Uncertain significance (1 of 4 stars; one submission).

gnomAD v4.1: 1 of 1,613,534 alleles (0.000062%); highest among the groups gnomAD compares: South Asian, 0.0011%; no homozygotes.

Submission:

Labcorp Genetics (formerly Invitae), Labcorp
Classification: Uncertain significance. Last evaluated: 2025-07-14. Review status: criteria provided, single submitter. Criteria: Invitae Variant Classification Sherloc (09022015). Collection method: clinical testing. Allele origin: germline.
Comment: This sequence change replaces tyrosine, which is neutral and polar, with histidine, which is basic and polar, at codon 1054 of the MAGEL2 protein (p.Tyr1054His). This variant is not present in population databases (gnomAD no frequency). This variant has not been reported in the literature in individuals affected with MAGEL2-related conditions. Invitae Evidence Modeling of protein sequence and biophysical properties (such as structural, functional, and spatial information, amino acid conservation, physicochemical variation, residue mobility, and thermodynamic stability) has been performed for this missense variant. However, the output from this modeling did not meet the statistical confidence thresholds required to predict the impact of this variant on MAGEL2 protein function. In summary, the available evidence is currently insufficient to determine the role of this variant in disease. Therefore, it has been classified as a Variant of Uncertain Significance.

NM_019066.5(MAGEL2):c.3160T>C (p.Tyr1054His)

Gene: MAGEL2 (MAGE family member L2; minus strand). Cytogenetic location: 15q11.2.
Variant type: single nucleotide variant.
Coding change: c.3160T>C on transcript NM_019066.5 (MANE Select); coding-DNA position 3160, T replaced by C.
Protein change: p.Tyr1054His; replaces tyrosine 1054 with histidine.
Molecular consequence: missense variant.
Genome position (GRCh38, 1-based): chr15:23,644,583, A>G on the plus strand (T>C on the coding strand, the complement: MAGEL2 is on the minus strand). VCF-style: chr15-23644583-A-G. GRCh37 (hg19) VCF-style: chr15-23889730-A-G.
Other names: short protein forms Y1054H.
Identifiers: ClinVar variation 4701602 (VCV004701602.1).